The following is an entry in ClinVar:

NM_001001331.4(ATP2B2):c.1226T>C (p.Val409Ala)

Gene: ATP2B2 (ATPase plasma membrane Ca2+ transporting 2; minus strand). Cytogenetic location: 3p25.3.
Variant type: single nucleotide variant.
Coding change: c.1226T>C on transcript NM_001001331.4 (MANE Select); coding-DNA position 1226, T replaced by C.
Protein change: p.Val409Ala; replaces valine 409 with alanine.
Molecular consequence: missense variant.
Genome position (GRCh38, 1-based): chr3:10,375,620, A>G on the plus strand (T>C on the coding strand, the complement: ATP2B2 is on the minus strand). VCF-style: chr3-10375620-A-G. GRCh37 (hg19) VCF-style: chr3-10417304-A-G.
Other names: c.1091T>C, p.Val364Ala (NM_001330611.3, NM_001353564.1, NM_001363862.1 and 1 more transcripts); short protein forms V364A, V409A.
Identifiers: ClinVar variation 2636193 (VCV002636193.1), dbSNP rs2061359613, ClinGen allele CA351784638.
Genomic context (GRCh38, chr3:10,375,620, plus strand): 5'-AGCCACGGCTTCTTGTTGACCACGAAGGTGTCCACAGTGAAGTAGAGCACCAGGATGATC[A>G]CCGTGATGGCTGACATCACCAAGCCTGCAATGTGAGGGACACATGCTTGGGGGGTTCCAG-3'
Protein context (NP_001001331.1, residues 399-419): KAGLVMSAIT[Val409Ala]IILVLYFTVD

ClinVar aggregate classification (germline): Uncertain significance (1 of 4 stars; one submission).

Conditions:
ATP2B2-related disorder. Also called: ATP2B2-related condition.

Allele frequency attached by ClinVar (database versions not stated): TOPMed below 0.00001.

Submission:

PreventionGenetics, part of Exact Sciences
Classification: Uncertain significance for ATP2B2-related condition. Last evaluated: 2022-08-23. Review status: criteria provided, single submitter. Criteria: ACMG Guidelines, 2015. Collection method: clinical testing. Allele origin: germline.
Comment: The ATP2B2 c.1091T>C variant is predicted to result in the amino acid substitution p.Val364Ala. To our knowledge, this variant has not been reported in the literature or in a large population database, indicating this variant is rare. At this time, the clinical significance of this variant is uncertain due to the absence of conclusive functional and genetic evidence.